The following is an entry in ClinVar:

ClinVar aggregate classification (germline): Pathogenic (1 of 4 stars; one submission).

Submission:

Labcorp Genetics (formerly Invitae), Labcorp
Classification: Pathogenic. Last evaluated: 2020-03-19. Review status: criteria provided, single submitter. Criteria: Invitae Variant Classification Sherloc (09022015). Collection method: clinical testing. Allele origin: unknown.
Comment: For these reasons, this variant has been classified as Pathogenic. Although no functional studies have assayed the effect of this particular deletion on FH protein function or stability, several truncating variants in the last exon (p.Gly490Alafs*12, p.Leu492Hisfs*6, p.Glu495Valfs*2, and p.Trp500*) have been determined to be likely pathogenic (PMID: 12772087, 21404119, 16597677, 9635293, 21398687, Invitae database). This suggests that the C-terminal region of the FH protein is critical for the proper protein function. This variant has not been reported in the literature in individuals with FH-related conditions. This variant is a gross deletion of the genomic region encompassing exon 10 and part of exon 9 (c.1340_*50del) of the FH gene. While this deletion is not anticipated to result in nonsense mediated decay, it is expected to create a truncated protein product or disrupt mRNA translation.

Literature cited by the submitters: PubMed 12772087; PubMed 21404119; PubMed 16597677; PubMed 9635293; PubMed 21398687.

NC_000001.10:g.(?_241661078)_(241663787_?)del

Gene: FH (fumarate hydratase; minus strand). Cytogenetic location: 1q43.
Variant type: Deletion.
Identifiers: ClinVar variation 3247876 (VCV003247876.1).